The following is an entry in ClinVar:

ClinVar aggregate classification (germline): Likely benign. Review status: criteria provided, single submitter (1 of 4 stars). 2 submissions from 2 submitters: Likely benign (1). 1 of the submissions does not count toward it. Last evaluated 2024-03-01.

Conditions:
IFT74-related disorder. Also called: IFT74-Related Disorders; IFT74-related condition.

Allele frequency attached by ClinVar (database versions not stated): gnomAD exomes 0.00002 and 0.00003; ExAC 0.00006.

Submissions (2):

Labcorp Genetics (formerly Invitae), Labcorp
Classification: Likely benign. Last evaluated: 2024-03-01. Review status: criteria provided, single submitter. Criteria: Invitae Variant Classification Sherloc (09022015). Collection method: clinical testing. Allele origin: germline.

PreventionGenetics, part of Exact Sciences
Classification: Likely benign for IFT74-related condition. Last evaluated: 2023-10-26. Review status: no assertion criteria provided. Collection method: clinical testing. Allele origin: germline. Not counted in ClinVar's aggregate classification.
Comment: This variant is classified as likely benign based on ACMG/AMP sequence variant interpretation guidelines (Richards et al. 2015 PMID: 25741868, with internal and published modifications).

NM_025103.4(IFT74):c.222A>G (p.Gln74=)

Gene: IFT74 (intraflagellar transport 74; plus strand). Cytogenetic location: 9p21.2.
Variant type: single nucleotide variant.
Coding change: c.222A>G on transcript NM_025103.4 (MANE Select); coding-DNA position 222, A replaced by G.
Protein change: p.Gln74=; no amino-acid change (glutamine 74 retained).
Molecular consequence: synonymous variant.
Genome position (GRCh38, 1-based): chr9:26,978,229, A>G. VCF-style: chr9-26978229-A-G. GRCh37 (hg19) VCF-style: chr9-26978227-A-G.
Other names: c.222A>G, p.Gln74= (NM_001099222.3, NM_001099223.3, NM_001099224.3 and 1 more transcripts); c.222A>G (NM_025103.2).
Identifiers: ClinVar variation 1479334 (VCV001479334.7), dbSNP rs772093614, ClinGen allele CA5014855.